The following is an entry in ClinVar:

ClinVar aggregate classification (germline): Pathogenic. Review status: criteria provided, multiple submitters, no conflicts (2 of 4 stars). 2 submissions from 2 submitters: Pathogenic (2). Last evaluated 2025-06-23.

Conditions:
Inborn genetic diseases. Identifiers: MedGen C0950123, MeSH D030342.

Allele frequency attached by ClinVar (database versions not stated): gnomAD exomes below 0.00001 and 0.00002; ExAC 0.00002; ESP Exome Variant Server 0.00008.

Submissions (2):

Labcorp Genetics (formerly Invitae), Labcorp
Classification: Pathogenic. Last evaluated: 2025-06-23. Review status: criteria provided, single submitter. Criteria: Invitae Variant Classification Sherloc (09022015). Collection method: clinical testing. Allele origin: germline.
Comment: This sequence change creates a premature translational stop signal (p.Ile238Hisfs*31) in the SLC34A3 gene. It is expected to result in an absent or disrupted protein product. Loss-of-function variants in SLC34A3 are known to be pathogenic (PMID: 16358214, 16358215, 22159077). This variant is present in population databases (rs779140809, gnomAD 0.001%). This variant has not been reported in the literature in individuals affected with SLC34A3-related conditions. ClinVar contains an entry for this variant (Variation ID: 852891). For these reasons, this variant has been classified as Pathogenic.

Ambry Genetics
Classification: Pathogenic for Inborn genetic diseases. Last evaluated: 2025-03-20. Review status: criteria provided, single submitter. Criteria: Ambry Variant Classification Scheme 2023. Collection method: clinical testing. Allele origin: germline.
Comment: The c.711dupC (p.I238Hfs*31) alteration, located in exon 7 (coding exon 6) of the SLC34A3 gene, consists of a duplication of C at position 711, causing a translational frameshift with a predicted alternate stop codon after 31 amino acids. This alteration is expected to result in loss of function by premature protein truncation or nonsense-mediated mRNA decay. Based on data from gnomAD, the c.711dupC allele has an overall frequency of <0.001% (1/229542) total alleles studied. The highest observed frequency was 0.001% (1/101440) of European (non-Finnish) alleles. Based on the available evidence, this alteration is classified as pathogenic.

Literature cited by the submitters: PubMed 16358214 (cited by Labcorp Genetics (formerly Invitae), Labcorp); PubMed 16358215 (cited by Labcorp Genetics (formerly Invitae), Labcorp); PubMed 22159077 (cited by Labcorp Genetics (formerly Invitae), Labcorp).

NM_001177316.2(SLC34A3):c.711dup (p.Ile238fs)

Gene: SLC34A3 (solute carrier family 34 member 3; plus strand). Cytogenetic location: 9q34.3.
Variant type: Duplication.
Coding change: c.711dup on transcript NM_001177316.2 (MANE Select); coding-DNA position 711, one base duplicated (C; older notation c.711dupC).
Protein change: p.Ile238fs; shifts the reading frame from isoleucine 238.
Molecular consequence: frameshift variant.
Genome position (GRCh38, 1-based): chr9:137,233,359, C duplicated. VCF-style (leftmost placement, unchanged base first): chr9-137233358-A-AC. GRCh37 (hg19) VCF-style: chr9-140127810-A-AC.
Other names: c.711dup, p.Ile238fs (NM_001177317.2, NM_080877.3); c.711dupC (NM_080877.2); short protein forms I238fs.
Identifiers: ClinVar variation 852891 (VCV000852891.10), dbSNP rs779140809, ClinGen allele CA5364534.